The following is an entry in ClinVar:

NM_144572.2(TBC1D2B):c.1471-9_1471-8del

Gene: TBC1D2B (TBC1 domain family member 2B; minus strand). Cytogenetic location: 15q25.1.
Variant type: Deletion.
Coding change: c.1471-9_1471-8del on transcript NM_144572.2 (MANE Select); 9 bases into the intron before coding-DNA position 1471 through 8 bases into the intron before coding-DNA position 1471, 2 bases deleted (TT; older notation c.1471-9_1471-8delTT).
Molecular consequence: intron variant.
Genome position (GRCh38, 1-based): chr15:78,017,965-78,017,966, AA deleted on the plus strand (TT on the coding strand, the reverse complement: TBC1D2B is on the minus strand); deleting any 2 consecutive bases within chr15:78,017,965-78,017,976 gives the same sequence; the c. name uses the placement nearest the transcript's 3' end. VCF-style (leftmost placement, unchanged base first): chr15-78017964-GAA-G. GRCh37 (hg19) VCF-style: chr15-78310306-GAA-G.
Other names: NC_000015.9:g.78310317_78310318del; c.1135-9_1135-8del (NM_001387147.1, NM_001387146.1, NM_001387145.1 and 1 more transcripts); c.1468-9_1468-8del (NM_001387143.1); c.1471-9_1471-8del (NM_015079.6, NM_001387142.1, NM_001387144.1); c.1021-9_1021-8del (NM_001387149.1); c.1471-19_1471-18del (NM_144572.2).
Identifiers: ClinVar variation 2645606 (VCV002645606.24), dbSNP rs35403054, ClinGen allele CA7679425.

ClinVar aggregate classification (germline): Likely benign (1 of 4 stars; one submission).

Submissions (2):

CeGaT Center for Human Genetics Tuebingen
Classification: Likely benign. Last evaluated: 2022-04-01. Review status: criteria provided, single submitter. Criteria: CeGaT Center For Human Genetics Tuebingen Variant Classification Criteria Version 2. Collection method: clinical testing. Allele origin: germline. Affected: yes. Observed: 2 variant alleles.
Comment: TBC1D2B: BP4

Dr. Peter K. Rogan Lab, Western University
No classification provided (evidence only). Condition: Colon adenocarcinoma. Review status: no classification provided. Collection method: in vitro. Allele origin: not applicable. Functional consequence: skipped exon. Not counted in ClinVar's aggregate classification.